The following is an entry in ClinVar:

ClinVar aggregate classification (germline): Uncertain significance (1 of 4 stars; one submission).

Conditions:
Cardiovascular phenotype. Identifiers: MedGen CN230736.

Allele frequency attached by ClinVar (database versions not stated): gnomAD exomes below 0.00001; ExAC 0.00002.
gnomAD v4.1: 1 of 1,602,102 alleles (0.000062%); highest among the groups gnomAD compares: Admixed American, 0.0017%; no homozygotes.

Submission:

Ambry Genetics
Classification: Uncertain significance for Cardiovascular phenotype. Last evaluated: 2022-11-07. Review status: criteria provided, single submitter. Criteria: Ambry Variant Classification Scheme 2023. Collection method: clinical testing. Allele origin: germline.
Comment: The p.L947M variant (also known as c.2839C>A), located in coding exon 17 of the EPHB4 gene, results from a C to A substitution at nucleotide position 2839. The leucine at codon 947 is replaced by methionine, an amino acid with highly similar properties. This amino acid position is conserved. In addition, the in silico prediction for this alteration is inconclusive. Since supporting evidence is limited at this time, the clinical significance of this alteration remains unclear.

NM_004444.5(EPHB4):c.2839C>A (p.Leu947Met)

Gene: EPHB4 (EPH receptor B4; minus strand). Cytogenetic location: 7q22.1.
Variant type: single nucleotide variant.
Coding change: c.2839C>A on transcript NM_004444.5 (MANE Select); coding-DNA position 2839, C replaced by A.
Protein change: p.Leu947Met; replaces leucine 947 with methionine.
Molecular consequence: missense variant.
Genome position (GRCh38, 1-based): chr7:100,803,586, G>T on the plus strand (C>A on the coding strand, the complement: EPHB4 is on the minus strand). VCF-style: chr7-100803586-G-T. GRCh37 (hg19) VCF-style: chr7-100401208-G-T.
Other names: short protein forms L947M.
Identifiers: ClinVar variation 2450397 (VCV002450397.2), dbSNP rs758969373, ClinGen allele CA4392489.